The following is an entry in ClinVar:

NM_134261.3(RORA):c.1395A>T (p.Gly465=)

Genes: RORA (RAR related orphan receptor A; minus strand), RORA-AS1 (RORA antisense RNA 1; plus strand). Cytogenetic location: 15q22.2.
Variant type: single nucleotide variant.
Coding change: c.1395A>T on transcript NM_134261.3 (MANE Select); coding-DNA position 1395, A replaced by T.
Protein change: p.Gly465=; no amino-acid change (glycine 465 retained).
Molecular consequence: synonymous variant.
Genome position (GRCh38, 1-based): chr15:60,499,904, T>A on the plus strand (A>T on the coding strand, the complement: RORA is on the minus strand). VCF-style: chr15-60499904-T-A. GRCh37 (hg19) VCF-style: chr15-60792103-T-A.
Other names: c.1494A>T (NM_134260.2); c.1230A>T, p.Gly410= (NM_134262.3); c.1470A>T, p.Gly490= (NM_002943.4); c.1494A>T, p.Gly498= (NM_134260.3).
Identifiers: ClinVar variation 1675578 (VCV001675578.36), dbSNP rs117458658, ClinGen allele CA7593503.

ClinVar aggregate classification (germline): Likely benign. Review status: criteria provided, multiple submitters, no conflicts (2 of 4 stars). 4 submissions from 4 submitters: Likely benign (3). 1 of the submissions does not count toward it. Last evaluated 2026-04-01.

Conditions:
RORA-related disorder. Also called: RORA-related condition.

Allele frequency attached by ClinVar (database versions not stated): ESP Exome Variant Server 0.00054; 1000 Genomes Project 30x 0.00078; 1000 Genomes Project 0.00080; ExAC 0.00120; gnomAD 0.00133 and 0.00135; gnomAD exomes 0.00135.
gnomAD v4.1: 1,626 of 1,600,684 alleles (0.1%); highest among the groups gnomAD compares: Middle Eastern, 2.3%; 12 homozygotes.

Submissions (4):

CeGaT Center for Human Genetics Tuebingen
Classification: Likely benign. Last evaluated: 2026-04-01. Review status: criteria provided, single submitter. Criteria: CeGaT Center For Human Genetics Tuebingen Variant Classification Criteria Version 2. Collection method: clinical testing. Allele origin: germline. Affected: yes. Observed: 15 variant alleles.
Comment: RORA: BP4, BP7, BS1

Blueprint Genetics
Classification: Likely benign. Last evaluated: 2024-11-20. Review status: criteria provided, single submitter. Criteria: ACMG Guidelines, 2015. Collection method: clinical testing. Allele origin: germline.

Breakthrough Genomics
Classification: Likely benign. Review status: criteria provided, single submitter. Criteria: ACMG Guidelines, 2015. Collection method: not provided. Allele origin: germline. Inheritance: Autosomal dominant inheritance. Affected: yes.

PreventionGenetics, part of Exact Sciences
Classification: Likely benign for RORA-related condition. Last evaluated: 2019-02-19. Review status: no assertion criteria provided. Collection method: clinical testing. Allele origin: germline. Not counted in ClinVar's aggregate classification.
Comment: This variant is classified as likely benign based on ACMG/AMP sequence variant interpretation guidelines (Richards et al. 2015 PMID: 25741868, with internal and published modifications).